The following is an entry in ClinVar:

NM_000426.4(LAMA2):c.439C>G (p.Pro147Ala)

Gene: LAMA2 (laminin subunit alpha 2; plus strand). Cytogenetic location: 6q22.33.
Variant type: single nucleotide variant.
Coding change: c.439C>G on transcript NM_000426.4 (MANE Select); coding-DNA position 439, C replaced by G.
Protein change: p.Pro147Ala; replaces proline 147 with alanine.
Molecular consequence: missense variant.
Genome position (GRCh38, 1-based): chr6:129,098,215, C>G. VCF-style: chr6-129098215-C-G. GRCh37 (hg19) VCF-style: chr6-129419360-C-G.
Other names: c.439C>G, p.Pro147Ala (NM_001079823.2); short protein forms P147A.
Identifiers: ClinVar variation 1915997 (VCV001915997.3), dbSNP rs2482427576, ClinGen allele CA365829127.

ClinVar aggregate classification (germline): Uncertain significance. Review status: criteria provided, multiple submitters, no conflicts (2 of 4 stars). 2 submissions from 2 submitters: Uncertain significance (2). Last evaluated 2025-10-30.

Conditions:
Inborn genetic diseases. Identifiers: MedGen C0950123, MeSH D030342.
LAMA2-related muscular dystrophy (LAMA2-RD). Also called: Laminin alpha 2-related dystrophy. Identifiers: MedGen C5679788, MONDO:0100228.

Submissions (2):

Ambry Genetics
Classification: Uncertain significance for Inborn genetic diseases. Last evaluated: 2025-10-30. Review status: criteria provided, single submitter. Criteria: Ambry Variant Classification Scheme 2023. Collection method: clinical testing. Allele origin: germline.

Labcorp Genetics (formerly Invitae), Labcorp
Classification: Uncertain significance for LAMA2-related muscular dystrophy. Last evaluated: 2022-02-01. Review status: criteria provided, single submitter. Criteria: Invitae Variant Classification Sherloc (09022015). Collection method: clinical testing. Allele origin: germline.
Comment: This sequence change replaces proline, which is neutral and non-polar, with alanine, which is neutral and non-polar, at codon 147 of the LAMA2 protein (p.Pro147Ala). This variant is not present in population databases (gnomAD no frequency). This variant has not been reported in the literature in individuals affected with LAMA2-related conditions. Algorithms developed to predict the effect of missense changes on protein structure and function are either unavailable or do not agree on the potential impact of this missense change (SIFT: "Deleterious"; PolyPhen-2: "Probably Damaging"; Align-GVGD: "Class C0"). In summary, the available evidence is currently insufficient to determine the role of this variant in disease. Therefore, it has been classified as a Variant of Uncertain Significance.